The following is an entry in ClinVar:

GRCh38/hg38 11p15.5(chr11:1692388-2395063)x3

Genes: ASCL2 (achaete-scute family bHLH transcription factor 2; minus strand), C11orf21 (chromosome 11 open reading frame 21; minus strand), CD81 (CD81 molecule; plus strand), CD81-AS1 (CD81 antisense RNA 1; minus strand), CTSD (cathepsin D; minus strand) and 57 more. Cytogenetic location: 11p15.5.
Variant type: copy number gain.
Change: copy number 3 (three copies instead of two) of chr11:1,692,388-2,395,063 (702.7 kb, GRCh38 coordinates, 1-based), cytogenetic band 11p15.5.
Identifiers: ClinVar variation 4974732 (VCV004974732.1).

ClinVar aggregate classification (germline): Pathogenic (1 of 4 stars; one submission).

Submission:

Clinical Genomics Laboratory, Laboratory for Precision Diagnostics, University of Washington
Classification: Pathogenic. Last evaluated: 2024-01-31. Review status: criteria provided, single submitter. Criteria: ACMG/ClinGen CNV Guidelines, 2019. Collection method: clinical testing. Allele origin: unknown. Affected: yes. Observed: 1 variant allele.
Comment: The analysis detected a 703kb interstitial duplication on chromosome 11p15, encompassing both H19 and IGF2 (imprinting center 1; IC1) as well as several other protein-coding genes. A second duplication, approximately 211 kb in size and slightly telomeric, was observed. Its presence raises the possibility of a more complex rearrangement within the region, though its significance remains unclear. Importantly, imprinting center 2 (IC2) is present in the typical two copies. Duplications of IC1 on the paternal copy of chromosome 11 have been observed in individuals with Beckwith-Wiedemann syndrome. Conversely, maternal origin IC1 duplications may be asymptomatic, seen in healthy controls (DGV nsv553047 and nsv467645) and unaffected parents (e.g., Family B in PMID: 19735747).

Literature cited by the submitters: PubMed 17325026; PubMed 19735747; PubMed 29377879; PubMed 21780245; PubMed 34906464; PubMed 29223973; PubMed 2218739.